The following is an entry in ClinVar:

NM_000138.5(FBN1):c.837_838insCAT (p.Leu279_Asn280insHis)

Gene: FBN1 (fibrillin 1; minus strand). Cytogenetic location: 15q21.1.
Variant type: Insertion.
Coding change: c.837_838insCAT on transcript NM_000138.5 (MANE Select); coding-DNA positions 837 to 838, CAT inserted.
Protein change: p.Leu279_Asn280insHis.
Molecular consequence: inframe insertion.
Genome position: GRCh38 VCF-style: chr15-48534104-T-TATG. GRCh37 (hg19) VCF-style: chr15-48826301-T-TATG.
Other names: c.837_838insCAT, p.Leu279_Asn280insHis (NM_001406716.1, NM_001406717.1).
Identifiers: ClinVar variation 4884047 (VCV004884047.2).
Genomic context (GRCh38, chr15:48,534,104, plus strand): 5'-CTACACCCCCCAACTGCAAAGCATAAGATTTCTTACCTTCACATTTTTGTGACACTTCAT[T>TATG]AAGTTTGTGTCCAGCAGGGCATTTGCACTCAAAAGACCCAACAGTATTAATGCAATTTCC-3'

ClinVar aggregate classification (germline): Uncertain significance (1 of 4 stars; one submission).

Conditions:
Marfan syndrome (MFS). Also called: Marfan's syndrome; MARFAN SYNDROME, TYPE I; Marfan syndrome type 1; Marfan syndrome, classic; FBN1-Related Marfan Syndrome. Identifiers: Orphanet 284963, Orphanet 558, MedGen C0024796, MONDO:0007947, OMIM 154700.

Submission:

Dasa
Classification: Uncertain significance for Marfan syndrome. Last evaluated: 2026-01-04. Review status: criteria provided, single submitter. Criteria: DASA Assertion Criteria. Collection method: clinical testing. Allele origin: germline.
Comment: NM_000138.5(FBN1):c.837_838insCAT (p.Leu279_Asn280insHis) is an in-frame insertion/deletion-insertion predicted to alter the protein sequence without shifting the reading frame. This variant is absent from population databases. The currently available literature and clinical evidence are not sufficient to establish a definitive association between this variant and the reported condition. Therefore, this variant is classified as a variant of uncertain significance.